The following is an entry in ClinVar:

ClinVar aggregate classification (germline): Uncertain significance (1 of 4 stars; one submission).

Conditions:
Early-infantile DEE. Also called: Early infantile epileptic encephalopathy; Ohtahara syndrome; Early infantile epileptic encephalopathy with suppression bursts. Identifiers: Orphanet 1934, MedGen C0393706, MONDO:0800491.

Submission:

Labcorp Genetics (formerly Invitae), Labcorp
Classification: Uncertain significance for Early-infantile DEE. Last evaluated: 2025-10-20. Review status: criteria provided, single submitter. Criteria: Invitae Variant Classification Sherloc (09022015). Collection method: clinical testing. Allele origin: germline.
Comment: This sequence change replaces leucine, which is neutral and non-polar, with proline, which is neutral and non-polar, at codon 1012 of the SCN1A protein (p.Leu1012Pro). This variant is not present in population databases (gnomAD no frequency). This variant has not been reported in the literature in individuals affected with SCN1A-related conditions. ClinVar contains an entry for this variant (Variation ID: 3634032). Invitae Evidence Modeling of protein sequence and biophysical properties (such as structural, functional, and spatial information, amino acid conservation, physicochemical variation, residue mobility, and thermodynamic stability) indicates that this missense variant is expected to disrupt SCN1A protein function with a positive predictive value of 95%. In summary, the available evidence is currently insufficient to determine the role of this variant in disease. Therefore, it has been classified as a Variant of Uncertain Significance.

NM_001165963.4(SCN1A):c.3035T>C (p.Leu1012Pro)

Gene: SCN1A (sodium voltage-gated channel alpha subunit 1; minus strand). Cytogenetic location: 2q24.3.
Variant type: single nucleotide variant.
Coding change: c.3035T>C on transcript NM_001165963.4 (MANE Select); coding-DNA position 3035, T replaced by C.
Protein change: p.Leu1012Pro; replaces leucine 1012 with proline.
Molecular consequence: missense variant. On other transcripts: non-coding transcript variant (1).
Genome position (GRCh38, 1-based): chr2:166,036,442, A>G on the plus strand (T>C on the coding strand, the complement: SCN1A is on the minus strand). VCF-style: chr2-166036442-A-G. GRCh37 (hg19) VCF-style: chr2-166892952-A-G.
Other names: c.2951T>C, p.Leu984Pro (NM_001165964.3, NM_001353957.2, NM_001353958.2); c.3035T>C, p.Leu1012Pro (NM_001202435.3, NM_001353948.2); c.3002T>C, p.Leu1001Pro (NM_001353949.2, NM_001353950.2, NM_001353951.2 and 2 more transcripts); c.2999T>C, p.Leu1000Pro (NM_001353954.2, NM_001353955.2); c.2948T>C, p.Leu983Pro (NM_001353960.2); c.593T>C, p.Leu198Pro (NM_001353961.2); short protein forms L1012P, L984P, L1000P, L1001P, L198P, L983P.
Identifiers: ClinVar variation 3634032 (VCV003634032.2).